The following is an entry in ClinVar:

ClinVar aggregate classification (germline): Uncertain significance. Review status: criteria provided, multiple submitters, no conflicts (2 of 4 stars). 2 submissions from 2 submitters: Uncertain significance (2). Last evaluated 2024-12-19.

Conditions:
Cardiovascular phenotype. Identifiers: MedGen CN230736.

Submissions (2):

Ambry Genetics
Classification: Uncertain significance for Cardiovascular phenotype. Last evaluated: 2024-12-19. Review status: criteria provided, single submitter. Criteria: Ambry Variant Classification Scheme 2023. Collection method: clinical testing. Allele origin: germline.
Comment: The p.D3067Y variant (also known as c.9199G>T), located in coding exon 65 of the RYR2 gene, results from a G to T substitution at nucleotide position 9199. The aspartic acid at codon 3067 is replaced by tyrosine, an amino acid with highly dissimilar properties. This amino acid position is highly conserved in available vertebrate species. In addition, this alteration is predicted to be deleterious by in silico analysis. Based on the available evidence, the clinical significance of this variant remains unclear.

Blueprint Genetics
Classification: Uncertain significance. Last evaluated: 2024-02-21. Review status: criteria provided, single submitter. Criteria: ACMG Guidelines, 2015. Collection method: clinical testing. Allele origin: germline.

NM_001035.3(RYR2):c.9199G>T (p.Asp3067Tyr)

Gene: RYR2 (ryanodine receptor 2; plus strand). Cytogenetic location: 1q43.
Variant type: single nucleotide variant.
Coding change: c.9199G>T on transcript NM_001035.3 (MANE Select); coding-DNA position 9199, G replaced by T.
Protein change: p.Asp3067Tyr; replaces aspartic acid 3067 with tyrosine.
Molecular consequence: missense variant.
Genome position (GRCh38, 1-based): chr1:237,700,299, G>T. VCF-style: chr1-237700299-G-T. GRCh37 (hg19) VCF-style: chr1-237863599-G-T.
Other names: short protein forms D3067Y.
Identifiers: ClinVar variation 3791611 (VCV003791611.2).